The following is an entry in ClinVar:

NM_000038.6(APC):c.7256T>C (p.Met2419Thr)

Gene: APC (APC regulator of Wnt signaling pathway; plus strand). Cytogenetic location: 5q22.2.
Variant type: single nucleotide variant.
Coding change: c.7256T>C on transcript NM_000038.6 (MANE Select); coding-DNA position 7256, T replaced by C.
Protein change: p.Met2419Thr; replaces methionine 2419 with threonine.
Molecular consequence: missense variant. On other transcripts: non-coding transcript variant (2).
Genome position (GRCh38, 1-based): chr5:112,842,850, T>C. VCF-style: chr5-112842850-T-C. GRCh37 (hg19) VCF-style: chr5-112178547-T-C.
Other names: c.6407T>C, p.Met2136Thr (NM_001407470.1, NM_001354906.2); c.6104T>C, p.Met2035Thr (NM_001407471.1, NM_001407472.1); c.7256T>C, p.Met2419Thr (NM_001127510.3, NM_001354895.2, NM_001407450.1); c.7202T>C, p.Met2401Thr (NM_001127511.3); c.7310T>C, p.Met2437Thr (NM_001354896.2, NM_001407447.1, NM_001407448.1 and 1 more transcripts); c.7286T>C, p.Met2429Thr (NM_001354897.2); c.7181T>C, p.Met2394Thr (NM_001354898.2); c.7172T>C, p.Met2391Thr (NM_001354899.2); and 11 more; short protein forms M2259T, M2293T, M2336T, M2429T, M2447T, M2409T, M2412T, M2035T.
Identifiers: ClinVar variation 2815298 (VCV002815298.3), dbSNP rs2149982946, ClinGen allele CA16037136.

ClinVar aggregate classification (germline): Uncertain significance (1 of 4 stars; one submission).

Conditions:
Familial adenomatous polyposis 1 (FAP1). Also called: FAMILIAL ADENOMATOUS POLYPOSIS 1, ATTENUATED; POLYPOSIS, ADENOMATOUS INTESTINAL. Identifiers: MedGen C2713442, MONDO:0021056, OMIM 175100. Disease mechanism: loss of function.

Submission:

Labcorp Genetics (formerly Invitae), Labcorp
Classification: Uncertain significance for Familial adenomatous polyposis 1. Last evaluated: 2022-11-19. Review status: criteria provided, single submitter. Criteria: Invitae Variant Classification Sherloc (09022015). Collection method: clinical testing. Allele origin: germline.
Comment: In summary, the available evidence is currently insufficient to determine the role of this variant in disease. Therefore, it has been classified as a Variant of Uncertain Significance. Advanced modeling of protein sequence and biophysical properties (such as structural, functional, and spatial information, amino acid conservation, physicochemical variation, residue mobility, and thermodynamic stability) performed at Invitae indicates that this missense variant is not expected to disrupt APC protein function. This sequence change replaces methionine, which is neutral and non-polar, with threonine, which is neutral and polar, at codon 2419 of the APC protein (p.Met2419Thr). This variant is not present in population databases (gnomAD no frequency). This variant has not been reported in the literature in individuals affected with APC-related conditions.